The following is an entry in ClinVar:

ClinVar aggregate classification (germline): Likely benign (0 of 4 stars; one submission).

Conditions:
DNMT3A-related disorder. Also called: DNMT3A-related disorders; DNMT3A-related condition.

gnomAD v4.1: 9 of 1,606,964 alleles (0.00056%); highest among the groups gnomAD compares: Non-Finnish European, 0.00076%; no homozygotes.

Submission:

PreventionGenetics, part of Exact Sciences
Classification: Likely benign for DNMT3A-related condition. Last evaluated: 2022-01-04. Review status: no assertion criteria provided. Collection method: clinical testing. Allele origin: germline.
Comment: This variant is classified as likely benign based on ACMG/AMP sequence variant interpretation guidelines (Richards et al. 2015 PMID: 25741868, with internal and published modifications).

NM_022552.5(DNMT3A):c.243C>T (p.Asp81=)

Gene: DNMT3A (DNA methyltransferase 3 alpha; minus strand). Cytogenetic location: 2p23.3.
Variant type: single nucleotide variant.
Coding change: c.243C>T on transcript NM_022552.5 (MANE Select); coding-DNA position 243, C replaced by T.
Protein change: p.Asp81=; no amino-acid change (aspartic acid 81 retained).
Molecular consequence: synonymous variant. On other transcripts: non-coding transcript variant (1).
Genome position (GRCh38, 1-based): chr2:25,282,646, G>A on the plus strand (C>T on the coding strand, the complement: DNMT3A is on the minus strand). VCF-style: chr2-25282646-G-A. GRCh37 (hg19) VCF-style: chr2-25505515-G-A.
Other names: c.243C>T, p.Asp81= (NM_001320892.2, NM_175629.2, NM_175630.1).
Identifiers: ClinVar variation 3351472 (VCV003351472.1).
Genomic context (GRCh38, chr2:25,282,646, plus strand): 5'-TGGCTGGGGCTCACTCCGCTTCTCCAAGTCCCCATTGGGTAATAGCTCTGAGGCGCCTGA[G>A]TCCTGGGCCATGGATGGGGACTTGGAGATCACCGCAGGGTCCTTTGGCGTGTCACCGCTT-3'
Protein context (NP_072046.2, residues 71-91): VISKSPSMAQ[Asp81=]SGASELLPNG